The following is an entry in ClinVar:

NM_015466.4(PTPN23):c.326A>G (p.Asp109Gly)

Gene: PTPN23 (protein tyrosine phosphatase non-receptor type 23; plus strand). Cytogenetic location: 3p21.31.
Variant type: single nucleotide variant.
Coding change: c.326A>G on transcript NM_015466.4 (MANE Select); coding-DNA position 326, A replaced by G.
Protein change: p.Asp109Gly; replaces aspartic acid 109 with glycine.
Molecular consequence: missense variant. On other transcripts: 5 prime UTR variant (1).
Genome position (GRCh38, 1-based): chr3:47,405,043, A>G. VCF-style: chr3-47405043-A-G. GRCh37 (hg19) VCF-style: chr3-47446533-A-G.
Other names: c.-53A>G (NM_001304482.2); short protein forms D109G.
Identifiers: ClinVar variation 1317075 (VCV001317075.2), dbSNP rs2107713505, ClinGen allele CA352541321.
Genomic context (GRCh38, chr3:47,405,043, plus strand): 5'-AACTGGGGTGCCATGTCTGCAGGACAGAGATCTTCTCAGGCAAGTCTGTGGCCCATGAGG[A>G]CATCAAGTACGAGCAGGCCTGTATTCTCTACAACCTTGGTGAGCTGCCTGATCCCTTCCC-3'
Protein context (NP_056281.1, residues 99-119): IFSGKSVAHE[Asp109Gly]IKYEQACILY

ClinVar aggregate classification (germline): Uncertain significance (1 of 4 stars; one submission).

gnomAD v4.1: 1 of 1,614,174 alleles (0.000062%); no homozygotes.

Submission:

GeneDx
Classification: Uncertain significance. Last evaluated: 2019-12-27. Review status: criteria provided, single submitter. Criteria: GeneDx Variant Classification Process June 2021. Collection method: clinical testing. Allele origin: germline. Affected: yes.
Comment: Not observed in large population cohorts (Lek et al., 2016); In silico analysis, which includes protein predictors and evolutionary conservation, supports a deleterious effect; Has not been previously published as pathogenic or benign to our knowledge